The following is an entry in ClinVar:

NM_016604.4(KDM3B):c.675C>T (p.Ile225=)

Gene: KDM3B (lysine demethylase 3B; plus strand). Cytogenetic location: 5q31.2.
Variant type: single nucleotide variant.
Coding change: c.675C>T on transcript NM_016604.4 (MANE Select); coding-DNA position 675, C replaced by T.
Protein change: p.Ile225=; no amino-acid change (isoleucine 225 retained).
Molecular consequence: synonymous variant.
Genome position (GRCh38, 1-based): chr5:138,379,678, C>T. VCF-style: chr5-138379678-C-T. GRCh37 (hg19) VCF-style: chr5-137715367-C-T.
Identifiers: ClinVar variation 2655714 (VCV002655714.24), dbSNP rs55729115, ClinGen allele CA3428754.

ClinVar aggregate classification (germline): Likely benign (1 of 4 stars; one submission).

Allele frequency attached by ClinVar (database versions not stated): gnomAD 0.00007; TOPMed 0.00008; ExAC 0.00009; gnomAD exomes 0.00012; ESP Exome Variant Server 0.00015.
gnomAD v4.1: 176 of 1,613,352 alleles (0.011%); highest among the groups gnomAD compares: Non-Finnish European, 0.015%; no homozygotes.

Submission:

CeGaT Center for Human Genetics Tuebingen
Classification: Likely benign. Last evaluated: 2022-06-01. Review status: criteria provided, single submitter. Criteria: CeGaT Center For Human Genetics Tuebingen Variant Classification Criteria Version 2. Collection method: clinical testing. Allele origin: germline. Affected: yes. Observed: 1 variant allele.
Comment: KDM3B: BP4, BP7